The following is an entry in ClinVar:

NM_001130144.3(LTBP3):c.1817G>A (p.Arg606Gln)

Gene: LTBP3 (latent transforming growth factor beta binding protein 3; minus strand). Cytogenetic location: 11q13.1.
Variant type: single nucleotide variant.
Coding change: c.1817G>A on transcript NM_001130144.3 (MANE Select); coding-DNA position 1817, G replaced by A.
Protein change: p.Arg606Gln; replaces arginine 606 with glutamine.
Molecular consequence: missense variant.
Genome position (GRCh38, 1-based): chr11:65,547,949, C>T on the plus strand (G>A on the coding strand, the complement: LTBP3 is on the minus strand). VCF-style: chr11-65547949-C-T. GRCh37 (hg19) VCF-style: chr11-65315420-C-T.
Other names: c.1466G>A, p.Arg489Gln (NM_001164266.1); c.1817G>A, p.Arg606Gln (NM_021070.4); short protein forms R606Q, R489Q.
Identifiers: ClinVar variation 3019700 (VCV003019700.3), dbSNP rs1323739914, ClinGen allele CA381271853.

ClinVar aggregate classification (germline): Uncertain significance (1 of 4 stars; one submission).

Conditions:
Brachyolmia-amelogenesis imperfecta syndrome. Also called: PLATYSPONDYLY WITH AMELOGENESIS IMPERFECTA; Tooth agenesis, selective, 6; Dental anomalies and short stature. Identifiers: Orphanet 2899, MedGen C1832594, MONDO:0011018, OMIM 601216. Disease mechanism: loss of function.

gnomAD v4.1: 2 of 1,613,884 alleles (0.00012%); highest among the groups gnomAD compares: Non-Finnish European, 0.00017%; no homozygotes.

Submission:

Labcorp Genetics (formerly Invitae), Labcorp
Classification: Uncertain significance for Brachyolmia-amelogenesis imperfecta syndrome. Last evaluated: 2023-04-08. Review status: criteria provided, single submitter. Criteria: Invitae Variant Classification Sherloc (09022015). Collection method: clinical testing. Allele origin: germline.
Comment: In summary, the available evidence is currently insufficient to determine the role of this variant in disease. Therefore, it has been classified as a Variant of Uncertain Significance. An algorithm developed to predict the effect of missense changes on protein structure and function (PolyPhen-2) suggests that this variant is likely to be tolerated. This variant has not been reported in the literature in individuals affected with LTBP3-related conditions. This variant is not present in population databases (gnomAD no frequency). This sequence change replaces arginine, which is basic and polar, with glutamine, which is neutral and polar, at codon 606 of the LTBP3 protein (p.Arg606Gln).